The following is an entry in ClinVar:

ClinVar aggregate classification (germline): Uncertain significance (1 of 4 stars; one submission).

Submission:

Labcorp Genetics (formerly Invitae), Labcorp
Classification: Uncertain significance. Last evaluated: 2021-01-28. Review status: criteria provided, single submitter. Criteria: Invitae Variant Classification Sherloc (09022015). Collection method: clinical testing. Allele origin: germline.
Comment: Algorithms developed to predict the effect of missense changes on protein structure and function are either unavailable or do not agree on the potential impact of this missense change (SIFT: "Deleterious"; PolyPhen-2: "Probably Damaging"; Align-GVGD: "Class C0"). In summary, the available evidence is currently insufficient to determine the role of this variant in disease. Therefore, it has been classified as a Variant of Uncertain Significance. This variant has not been reported in the literature in individuals with POLE-related conditions. This variant is not present in population databases (ExAC no frequency). This sequence change replaces leucine with tryptophan at codon 698 of the POLE protein (p.Leu698Trp). The leucine residue is moderately conserved and there is a small physicochemical difference between leucine and tryptophan.

NM_006231.4(POLE):c.2093T>G (p.Leu698Trp)

Gene: POLE (DNA polymerase epsilon, catalytic subunit; minus strand). Cytogenetic location: 12q24.33.
Variant type: single nucleotide variant.
Coding change: c.2093T>G on transcript NM_006231.4 (MANE Select); coding-DNA position 2093, T replaced by G.
Protein change: p.Leu698Trp; replaces leucine 698 with tryptophan.
Molecular consequence: missense variant.
Genome position (GRCh38, 1-based): chr12:132,668,436, A>C on the plus strand (T>G on the coding strand, the complement: POLE is on the minus strand). VCF-style: chr12-132668436-A-C. GRCh37 (hg19) VCF-style: chr12-133245022-A-C.
Other names: short protein forms L698W.
Identifiers: ClinVar variation 1480113 (VCV001480113.8), dbSNP rs2135975504, ClinGen allele CA387354024.
Genomic context (GRCh38, chr12:132,668,436, plus strand): 5'-TATTTCGCCTGTTCCTCGCGGGACAGTTCATGAAAGGCCCGAGCTGGCCCCTCTGGGAAC[A>C]AGGGGGGGAACTTCTCTGACTCCAGCTGGTGCTGGATCCGATGGTATTCGCTGCGACTGG-3'
Protein context (NP_006222.2, residues 688-708): HQLESEKFPP[Leu698Trp]FPEGPARAFH